The following is an entry in ClinVar:

ClinVar aggregate classification (germline): Uncertain significance (1 of 4 stars; one submission).

Conditions:
Cardiovascular phenotype. Identifiers: MedGen CN230736.

Submission:

Ambry Genetics
Classification: Uncertain significance for Cardiovascular phenotype. Last evaluated: 2020-06-25. Review status: criteria provided, single submitter. Criteria: Ambry Variant Classification Scheme 2023. Collection method: clinical testing. Allele origin: germline.
Comment: The p.H119P variant (also known as c.356A>C), located in coding exon 1 of the HCN4 gene, results from an A to C substitution at nucleotide position 356. The histidine at codon 119 is replaced by proline, an amino acid with similar properties. This amino acid position is well conserved in available vertebrate species. In addition, the in silico prediction for this alteration is inconclusive. Since supporting evidence is limited at this time, the clinical significance of this alteration remains unclear.

NM_005477.3(HCN4):c.356A>C (p.His119Pro)

Gene: HCN4 (hyperpolarization activated cyclic nucleotide gated potassium channel 4; minus strand). Cytogenetic location: 15q24.1.
Variant type: single nucleotide variant.
Coding change: c.356A>C on transcript NM_005477.3 (MANE Select); coding-DNA position 356, A replaced by C.
Protein change: p.His119Pro; replaces histidine 119 with proline.
Molecular consequence: missense variant.
Genome position (GRCh38, 1-based): chr15:73,367,915, T>G on the plus strand (A>C on the coding strand, the complement: HCN4 is on the minus strand). VCF-style: chr15-73367915-T-G. GRCh37 (hg19) VCF-style: chr15-73660256-T-G.
Other names: short protein forms H119P.
Identifiers: ClinVar variation 1732767 (VCV001732767.2), dbSNP rs2549080454, ClinGen allele CA393098280.
Genomic context (GRCh38, chr15:73,367,915, plus strand): 5'-GGGGACGCGTCGCCCTCGGCGATGAGCCGCCGCTCCTCCGCGGAGTCATGCAGGTGTCCG[T>G]GACTGCTGCCGCTCCCCGTGCCGCCGCTGCCGCCGCCCCGGCTGCCCAGCGAGGCCAGGC-3'
Protein context (NP_005468.1, residues 109-129): GSGGTGSGSS[His119Pro]GHLHDSAEER